The following is an entry in ClinVar:

ClinVar aggregate classification (germline): Uncertain significance. Review status: criteria provided, multiple submitters, no conflicts (2 of 4 stars). 2 submissions from 2 submitters: Uncertain significance (2). Last evaluated 2026-05-02.

Conditions:
Hereditary cancer-predisposing syndrome. Also called: Neoplastic Syndromes, Hereditary; Hereditary Cancer Syndrome; Hereditary neoplastic syndrome; Tumor predisposition. Identifiers: Orphanet 140162, MedGen C0027672, MeSH D009386, MONDO:0015356.
Mitochondrial complex II deficiency, nuclear type 1. Also called: SUCCINATE CoQ REDUCTASE DEFICIENCY. Identifiers: Orphanet 3208, MedGen C5700310, MONDO:0100294, OMIM 252011.
Pheochromocytoma/paraganglioma syndrome 5. Also called: Paragangliomas 5; SDHA-Related Hereditary Paraganglioma-Pheochromocytoma Syndrome. Identifiers: Orphanet 29072, MedGen C3279992, MONDO:0013602, OMIM 614165.

Allele frequency attached by ClinVar (database versions not stated): gnomAD exomes below 0.00001.
gnomAD v4.1: 2 of 1,613,954 alleles (0.00012%); highest among the groups gnomAD compares: East Asian, 0.0022%; no homozygotes.

Submissions (2):

Ambry Genetics
Classification: Uncertain significance for Hereditary cancer-predisposing syndrome. Last evaluated: 2026-05-02. Review status: criteria provided, single submitter. Criteria: Ambry Variant Classification Scheme 2023. Collection method: clinical testing. Allele origin: germline.
Comment: The p.M388T variant (also known as c.1163T>C), located in coding exon 9 of the SDHA gene, results from a T to C substitution at nucleotide position 1163. The methionine at codon 388 is replaced by threonine, an amino acid with similar properties. This amino acid position is conserved. In addition, this alteration is predicted to be deleterious by in silico analysis. Based on the available evidence, the clinical significance of this variant remains unclear.

Labcorp Genetics (formerly Invitae), Labcorp
Classification: Uncertain significance for Pheochromocytoma/paraganglioma syndrome 5; Mitochondrial complex II deficiency, nuclear type 1. Last evaluated: 2025-05-21. Review status: criteria provided, single submitter. Criteria: Invitae Variant Classification Sherloc (09022015). Collection method: clinical testing. Allele origin: germline.
Comment: This sequence change replaces methionine, which is neutral and non-polar, with threonine, which is neutral and polar, at codon 388 of the SDHA protein (p.Met388Thr). This variant is present in population databases (no rsID available, gnomAD 0.006%). This variant has not been reported in the literature in individuals affected with SDHA-related conditions. ClinVar contains an entry for this variant (Variation ID: 1460674). Invitae Evidence Modeling of protein sequence and biophysical properties (such as structural, functional, and spatial information, amino acid conservation, physicochemical variation, residue mobility, and thermodynamic stability) indicates that this missense variant is not expected to disrupt SDHA protein function with a negative predictive value of 95%. In summary, the available evidence is currently insufficient to determine the role of this variant in disease. Therefore, it has been classified as a Variant of Uncertain Significance.

NM_004168.4(SDHA):c.1163T>C (p.Met388Thr)

Gene: SDHA (succinate dehydrogenase complex flavoprotein subunit A; plus strand). Cytogenetic location: 5p15.33.
Variant type: single nucleotide variant.
Coding change: c.1163T>C on transcript NM_004168.4 (MANE Select); coding-DNA position 1163, T replaced by C.
Protein change: p.Met388Thr; replaces methionine 388 with threonine.
Molecular consequence: missense variant.
Genome position (GRCh38, 1-based): chr5:235,242, T>C. VCF-style: chr5-235242-T-C. GRCh37 (hg19) VCF-style: chr5-235357-T-C.
Other names: c.1019T>C, p.Met340Thr (NM_001294332.2); c.1163T>C, p.Met388Thr (NM_001330758.2); c.1163T>C (NM_004168.2); short protein forms M388T, M340T.
Identifiers: ClinVar variation 1460674 (VCV001460674.7), dbSNP rs1419241279, ClinGen allele CA359013580.